The following is an entry in ClinVar:

ClinVar aggregate classification (germline): Benign (1 of 4 stars; one submission).

Allele frequency attached by ClinVar (database versions not stated): 1000 Genomes Project 0.73343; 1000 Genomes Project 30x 0.74001; TOPMed 0.75383; gnomAD 0.75830 and 0.76519.
gnomAD v4.1: 115,183 of 152,090 alleles (76%); highest among the groups gnomAD compares: African/African-American, 86%; 44,009 homozygotes.

Submission:

GeneDx
Classification: Benign. Last evaluated: 2018-06-14. Review status: criteria provided, single submitter. Criteria: GeneDx Variant Classification (06012015). Collection method: clinical testing. Allele origin: germline. Affected: yes.
Comment: This variant is considered likely benign or benign based on one or more of the following criteria: it is a conservative change, it occurs at a poorly conserved position in the protein, it is predicted to be benign by multiple in silico algorithms, and/or has population frequency not consistent with disease.

NM_182961.4(SYNE1):c.12352-191A>T

Gene: SYNE1 (spectrin repeat containing nuclear envelope protein 1; minus strand). Cytogenetic location: 6q25.2.
Variant type: single nucleotide variant.
Coding change: c.12352-191A>T on transcript NM_182961.4 (MANE Select); 191 bases into the intron before coding-DNA position 12352, A replaced by T.
Molecular consequence: intron variant.
Genome position (GRCh38, 1-based): chr6:152,337,208, T>A on the plus strand (A>T on the coding strand, the complement: SYNE1 is on the minus strand). VCF-style: chr6-152337208-T-A. GRCh37 (hg19) VCF-style: chr6-152658343-T-A.
Other names: c.12139-191A>T (NM_033071.5).
Identifiers: ClinVar variation 670174 (VCV000670174.1), dbSNP rs9397100, ClinGen allele CA12338486.